The following is an entry in ClinVar:

ClinVar aggregate classification (germline): Uncertain significance. Review status: criteria provided, single submitter (1 of 4 stars). 2 submissions from 2 submitters: Uncertain significance (1). 1 of the submissions does not count toward it. Last evaluated 2025-07-15.

Conditions:
ITGA8-related disorder. Also called: ITGA8-related condition.
Inborn genetic diseases. Identifiers: MedGen C0950123, MeSH D030342.

Allele frequency attached by ClinVar (database versions not stated): ExAC 0.00003; TOPMed 0.00005; gnomAD 0.00007; gnomAD exomes 0.00009.
gnomAD v4.1: 141 of 1,612,196 alleles (0.0087%); highest among the groups gnomAD compares: Admixed American, 0.018%; no homozygotes.

Submissions (2):

Ambry Genetics
Classification: Uncertain significance for Inborn genetic diseases. Last evaluated: 2025-07-15. Review status: criteria provided, single submitter. Criteria: Ambry Variant Classification Scheme 2023. Collection method: clinical testing. Allele origin: germline.

PreventionGenetics, part of Exact Sciences
Classification: Uncertain significance for ITGA8-related condition. Last evaluated: 2024-09-20. Review status: no assertion criteria provided. Collection method: clinical testing. Allele origin: germline. Not counted in ClinVar's aggregate classification.
Comment: The ITGA8 c.1409T>C variant is predicted to result in the amino acid substitution p.Val470Ala. To our knowledge, this variant has not been reported in the literature. This variant is reported in 0.012% of alleles in individuals of Latino descent in gnomAD. At this time, the clinical significance of this variant is uncertain due to the absence of conclusive functional and genetic evidence.

NM_003638.3(ITGA8):c.1409T>C (p.Val470Ala)

Gene: ITGA8 (integrin subunit alpha 8; minus strand). Cytogenetic location: 10p13.
Variant type: single nucleotide variant.
Coding change: c.1409T>C on transcript NM_003638.3 (MANE Select); coding-DNA position 1409, T replaced by C.
Protein change: p.Val470Ala; replaces valine 470 with alanine.
Molecular consequence: missense variant.
Genome position (GRCh38, 1-based): chr10:15,616,550, A>G on the plus strand (T>C on the coding strand, the complement: ITGA8 is on the minus strand). VCF-style: chr10-15616550-A-G. GRCh37 (hg19) VCF-style: chr10-15658549-A-G.
Other names: c.1364T>C, p.Val455Ala (NM_001291494.2); c.1409T>C (NM_003638.2); short protein forms V455A, V470A.
Identifiers: ClinVar variation 2402312 (VCV002402312.4), dbSNP rs772076770, ClinGen allele CA5420232.